The following is an entry in ClinVar:

NM_032447.5(FBN3):c.1825C>T (p.Arg609Cys)

Gene: FBN3 (fibrillin 3; minus strand). Cytogenetic location: 19p13.2.
Variant type: single nucleotide variant.
Coding change: c.1825C>T on transcript NM_032447.5 (MANE Select); coding-DNA position 1825, C replaced by T.
Protein change: p.Arg609Cys; replaces arginine 609 with cysteine.
Molecular consequence: missense variant.
Genome position (GRCh38, 1-based): chr19:8,131,719, G>A on the plus strand (C>T on the coding strand, the complement: FBN3 is on the minus strand). VCF-style: chr19-8131719-G-A. GRCh37 (hg19) VCF-style: chr19-8196603-G-A.
Other names: c.1825C>T, p.Arg609Cys (NM_001321431.2); short protein forms R609C.
Identifiers: ClinVar variation 2335276 (VCV002335276.5), dbSNP rs550136527, ClinGen allele CA9153141.

ClinVar aggregate classification (germline): Uncertain significance. Review status: criteria provided, multiple submitters, no conflicts (2 of 4 stars). 2 submissions from 2 submitters: Uncertain significance (2). Last evaluated 2023-12-07.

Allele frequency attached by ClinVar (database versions not stated): gnomAD exomes 0.00001; ExAC 0.00002; gnomAD 0.00009; TOPMed 0.00011; 1000 Genomes Project 30x 0.00016; 1000 Genomes Project 0.00020.
gnomAD v4.1: 37 of 1,613,852 alleles (0.0023%); highest among the groups gnomAD compares: Admixed American, 0.023%; no homozygotes.

Submissions (2):

Labcorp Genetics (formerly Invitae), Labcorp
Classification: Uncertain significance. Last evaluated: 2023-12-07. Review status: criteria provided, single submitter. Criteria: Invitae Variant Classification Sherloc (09022015). Collection method: clinical testing. Allele origin: germline.
Comment: This sequence change replaces arginine, which is basic and polar, with cysteine, which is neutral and slightly polar, at codon 609 of the FBN3 protein (p.Arg609Cys). This variant is present in population databases (rs550136527, gnomAD 0.006%). This variant has not been reported in the literature in individuals affected with FBN3-related conditions. ClinVar contains an entry for this variant (Variation ID: 2335276). Advanced modeling of protein sequence and biophysical properties (such as structural, functional, and spatial information, amino acid conservation, physicochemical variation, residue mobility, and thermodynamic stability) performed at Invitae indicates that this missense variant is expected to disrupt FBN3 protein function with a positive predictive value of 80%. In summary, the available evidence is currently insufficient to determine the role of this variant in disease. Therefore, it has been classified as a Variant of Uncertain Significance.

Ambry Genetics
Classification: Uncertain significance. Last evaluated: 2022-12-15. Review status: criteria provided, single submitter. Criteria: Ambry Variant Classification Scheme 2023. Collection method: clinical testing. Allele origin: germline.